The following is an entry in ClinVar:

ClinVar aggregate classification (germline): Pathogenic/Likely pathogenic. Review status: criteria provided, multiple submitters, no conflicts (2 of 4 stars). 22 submissions from 22 submitters: Pathogenic (18); Likely pathogenic (1). 3 of the submissions do not count toward it. Last evaluated 2026-01-02.

Conditions:
BARD1-related cancer predisposition. Identifiers: MedGen CN377756, MONDO:0700267.
Gastric cancer. Also called: Malignant tumor of stomach; Stomach cancer. Identifiers: MedGen C0024623, MeSH D013274, MONDO:0001056, OMIM 613659, HP:0012126.
Hereditary cancer-predisposing syndrome. Also called: Neoplastic Syndromes, Hereditary; Tumor predisposition; Hereditary neoplastic syndrome; Hereditary Cancer Syndrome. Identifiers: Orphanet 140162, MedGen C0027672, MeSH D009386, MONDO:0015356.
Hereditary breast ovarian cancer syndrome. Also called: Breast and ovarian cancer; BRCA1- and BRCA2-Associated Hereditary Breast and Ovarian Cancer; Hereditary breast and/or ovarian cancer syndrome; Hereditary breast and ovarian cancer syndrome; Hereditary breast and ovarian cancer; Hereditary breast and ovarian cancer syndrome (HBOC). Identifiers: Orphanet 145, MedGen C0677776, MeSH D061325, MONDO:0003582. Disease mechanism: loss of function.
Familial cancer of breast. Also called: Hereditary breast cancer; hereditary breast carcinoma; BREAST CANCER, FAMILIAL. Identifiers: Orphanet 227535, MedGen C0346153, MONDO:0016419, OMIM 114480. Disease mechanism: loss of function.
Triple-Negative Breast Cancer Finding. Identifiers: MedGen C2348819.
Malignant tumor of breast. Also called: Malignant breast neoplasm; Cancer breast. Identifiers: MedGen C0006142, MONDO:0007254. Disease mechanism: loss of function.

Allele frequency attached by ClinVar (database versions not stated): ExAC 0.00001; gnomAD exomes 0.00001 and 0.00002; gnomAD 0.00003 and 0.00004; TOPMed 0.00003.
gnomAD v4.1: 19 of 1,613,374 alleles (0.0012%); highest among the groups gnomAD compares: African/African-American, 0.0053%; no homozygotes.

Submissions 1 to 12 of 22:

Labcorp Genetics (formerly Invitae), Labcorp
Classification: Pathogenic for Familial cancer of breast. Last evaluated: 2026-01-02. Review status: criteria provided, single submitter. Criteria: Invitae Variant Classification Sherloc (09022015). Collection method: clinical testing. Allele origin: germline.
Comment: This sequence change creates a premature translational stop signal (p.Arg641*) in the BARD1 gene. It is expected to result in an absent or disrupted protein product. Loss-of-function variants in BARD1 are known to be pathogenic (PMID: 20077502, 21344236). This variant is present in population databases (rs587781948, gnomAD 0.01%). This premature translational stop signal has been observed in individual(s) with neuroblastoma, pancreatic cancer, and breast cancer (PMID: 23334666, 26010302, 26483394, 28174632). ClinVar contains an entry for this variant (Variation ID: 141702). For these reasons, this variant has been classified as Pathogenic.

Praxis Für Humangenetik, Biosciencia MVZ Labor Saar
Classification: Pathogenic for Hereditary cancer-predisposing syndrome. Last evaluated: 2025-11-24. Review status: criteria provided, single submitter. Criteria: ACMG Guidelines, 2015. Collection method: clinical testing. Allele origin: germline.
Comment: PVS1, PM2, PP5

Quest Diagnostics Nichols Institute San Juan Capistrano
Classification: Pathogenic. Last evaluated: 2025-10-24. Review status: criteria provided, single submitter. Criteria: Quest Diagnostics criteria. Collection method: clinical testing. Allele origin: unknown.
Comment: The BARD1 c.1921C>T (p.Arg641*) variant causes the premature termination of BARD1 protein synthesis. This variant has been reported in the published literature in individuals with male breast cancer (PMID: 37762649 (2023)), breast cancer (PMID: 33498765 (2021), 33471991 (2021), see also LOVD, 32566746 (2020), 28174632 (2017), 28050010 (2017)), pancreatic cancer (PMID: 26483394 (2015)), prostate cancer (PMID: 35892882 (2022)), and neuroblastoma (PMID: 37688579 (2024), 23334666 (2013)). The frequency of this variant in the general population (Genome Aggregation Database) is consistent with pathogenicity. Based on the available information, this variant is classified as pathogenic.

GeneDx
Classification: Pathogenic. Last evaluated: 2025-05-25. Review status: criteria provided, single submitter. Criteria: GeneDx Variant Classification Process June 2021. Collection method: clinical testing. Allele origin: germline. Affected: yes.
Comment: Nonsense variant predicted to result in protein truncation or nonsense mediated decay in a gene for which loss of function is a known mechanism of disease; Not observed at significant frequency in large population cohorts (gnomAD); This variant is associated with the following publications: (PMID: 26010302, 26483394, 26315354, 28174632, 28050010, 23334666, 29292755, 28055978, 28724667, 27009842, 32832836, 32566746, 33498765, 32427313, 32679805, 35892882, 36187937, 35353237, 36243179, 36493725, 34326862, 37688579, 32980694, 29922827, 37762649)

Molecular Diagnostics Laboratory, Catalan Institute of Oncology
Classification: Likely pathogenic for Hereditary cancer-predisposing syndrome. Last evaluated: 2025-03-20. Review status: criteria provided, single submitter. Criteria: ACMG Guidelines, 2015. Collection method: clinical testing. Allele origin: germline.
Comment: PVS1, PS4_Supporting c.1921C>T, located in exon 10 of the BARD1 gene, is a nonsense variant expected to result in loss of function by premature protein truncation and nonsense-mediated mRNA decay (PVS1). This variant is found in 5/268150 alleles at a frequency of 0,001% in the gnomAD v2.1.1 database, non-cancer dataset. The SpliceAI algorithm predicts no significant impact on splicing. To our knowledge, no well-established functional studies have been reported for this variant. It has been reported in two case-control studies, being found in 4 out of 60466 and 1 out of 38 breast cancer-affected patients and none of the 53461 and 245 healthy controls, respectively (PMID:33471991, PMID: 26010302). This variant has been found in multiple cancer-affected individuals without BRCA1/2 pathogenic variants (PMID: 26483394, PMID: 33498765, PMID: 28050010, PMID: 28174632, and data from our internal cohort) (PS4_Supporting). This variant cosegregates with the disease in multiple individuals from our internal cohort of patients. This variant has been reported in the ClinVar database (17x pathogenic), and in the LOVD (1x pathogenic) Based on currently available information, the variant c.1921C>T should be considered a likely pathogenic variant according to ACMG/AMP classification guidelines.

Center for Genomic Medicine, Rigshospitalet, Copenhagen University Hospital
Classification: Pathogenic. Last evaluated: 2025-03-04. Review status: criteria provided, single submitter. Criteria: ACMG Guidelines, 2015. Collection method: clinical testing. Allele origin: germline.

Ambry Genetics
Classification: Pathogenic for Hereditary cancer-predisposing syndrome. Last evaluated: 2025-02-21. Review status: criteria provided, single submitter. Criteria: Ambry Variant Classification Scheme 2023. Collection method: clinical testing. Allele origin: germline.
Comment: The p.R641* pathogenic mutation (also known as c.1921C>T), located in coding exon 10 of the BARD1 gene, results from a C to T substitution at nucleotide position 1921. This changes the amino acid from an arginine to a stop codon within coding exon 10. This pathogenic mutation has been reported in several individuals diagnosed with breast cancer (De Brakeleer S et al. Clin. Genet. 2016 Mar;89:336-40; Feliubadal&oacute; L et al. Sci Rep, 2017 01;7:37984; Gass J et al. Clin Case Rep. 2017 Feb;5:104-107; Sun J et al. Clin. Cancer Res. 2017 Oct;23:6113-6119; Kaneyasu T et al. NPJ Breast Cancer, 2020 Jun;6:25; Rofes P et al. Genes (Basel), 2021 01;12:). It has also been reported in individuals with neuroblastoma and pancreatic cancer (Pugh TJ et al. Nat. Genet. 2013 Mar;45:279-84; Lasorsa VA et al. Oncotarget, 2016 Apr;7:21840-52; Hu C et al. Cancer Epidemiol Biomarkers Prev, 2016 Jan;25:207-11). In addition to the clinical data presented in the literature, this alteration is expected to result in loss of function by premature protein truncation or nonsense-mediated mRNA decay. As such, this alteration is interpreted as a disease-causing mutation.

Molecular Pathology, Peter Maccallum Cancer Centre
Classification: Pathogenic for BARD1-related cancer predisposition. Last evaluated: 2024-08-19. Review status: criteria provided, single submitter. Criteria: ACMG Guidelines, 2015. Collection method: clinical testing. Allele origin: germline. Inheritance: Autosomal dominant inheritance.

Baylor Genetics
Classification: Pathogenic for Familial cancer of breast. Last evaluated: 2023-11-19. Review status: criteria provided, single submitter. Criteria: ACMG Guidelines, 2015. Collection method: clinical testing. Allele origin: unknown.

Revvity Omics, Revvity
Classification: Pathogenic. Last evaluated: 2023-07-10. Review status: criteria provided, single submitter. Criteria: ACMG Guidelines, 2015. Collection method: clinical testing. Allele origin: germline.

Myriad Genetics, Inc.
Classification: Pathogenic for Familial cancer of breast. Last evaluated: 2023-05-24. Review status: criteria provided, single submitter. Criteria: Myriad Autosomal Dominant, Autosomal Recessive and X-Linked Classification Criteria (2023). Collection method: clinical testing. Allele origin: unknown.
Comment: This variant is considered pathogenic. This variant creates a termination codon and is predicted to result in premature protein truncation.

Color Diagnostics, LLC DBA Color Health
Classification: Pathogenic for Hereditary cancer-predisposing syndrome. Last evaluated: 2022-12-13. Review status: criteria provided, single submitter. Criteria: ACMG Guidelines, 2015. Collection method: clinical testing. Allele origin: germline.
Comment: This variant changes 1 nucleotide in exon 10 of the BARD1 gene, creating a premature translation stop signal. This variant is expected to result in an absent or non-functional protein product. This variant has been reported in individuals affected with breast cancer, pancreatic cancer, or neuroblastoma (PMID: 23334666, 26010302, 26483394, 28174632, 28724667, 32566746, 33471991, 33498765). This variant has been identified in 5/282680 chromosomes in the general population by the Genome Aggregation Database (gnomAD). Loss of BARD1 function is a known mechanism of disease. Based on the available evidence, this variant is classified as Pathogenic.

NM_000465.4(BARD1):c.1921C>T (p.Arg641Ter)

Gene: BARD1 (BRCA1 associated RING domain 1; minus strand). Cytogenetic location: 2q35.
Variant type: single nucleotide variant.
Coding change: c.1921C>T on transcript NM_000465.4 (MANE Select); coding-DNA position 1921, C replaced by T.
Protein change: p.Arg641Ter; replaces arginine 641 with a stop codon.
Molecular consequence: nonsense. On other transcripts: non-coding transcript variant (3).
Genome position (GRCh38, 1-based): chr2:214,730,491, G>A on the plus strand (C>T on the coding strand, the complement: BARD1 is on the minus strand). VCF-style: chr2-214730491-G-A. GRCh37 (hg19) VCF-style: chr2-215595215-G-A.
Other names: c.1864C>T, p.Arg622Ter (NM_001282543.2); c.568C>T, p.Arg190Ter (NM_001282545.2); c.511C>T, p.Arg171Ter (NM_001282548.2); c.382C>T, p.Arg128Ter (NM_001282549.2); short protein forms R641*, R190*, R128*, R622*, R171*.
Identifiers: ClinVar variation 141702 (VCV000141702.98), dbSNP rs587781948, ClinGen allele CA166173.
Genomic context (GRCh38, chr2:214,730,491, plus strand): 5'-TGCTTCTGCGTGGACCTTCAGGAATTTCATACTTTTCTTCCTGTTCACATACTTTTCTTC[G>A]TAGACATGCTTTTACCCCTGACAAAAACACAAGAATTAAAGCAAACTAAGTATCAAGTGA-3'